The following is an entry in ClinVar:

ClinVar aggregate classification (germline): Benign (1 of 4 stars; one submission).

Submission:

CeGaT Center for Human Genetics Tuebingen
Classification: Benign. Last evaluated: 2026-09-01. Review status: criteria provided, single submitter. Criteria: CeGaT Center For Human Genetics Tuebingen Variant Classification Criteria Version 2. Collection method: clinical testing. Allele origin: germline. Affected: yes. Observed: 22 variant alleles.
Comment: PALB2: BS1, BS2

NM_024675.4(PALB2):c.2749-497C>G

Gene: PALB2 (partner and localizer of BRCA2; minus strand). Cytogenetic location: 16p12.2.
Variant type: single nucleotide variant.
Coding change: c.2749-497C>G on transcript NM_024675.4 (MANE Select); 497 bases into the intron before coding-DNA position 2749, C replaced by G.
Molecular consequence: intron variant.
Genome position (GRCh38, 1-based): chr16:23,624,591, G>C on the plus strand (C>G on the coding strand, the complement: PALB2 is on the minus strand). VCF-style: chr16-23624591-G-C. GRCh37 (hg19) VCF-style: chr16-23635912-G-C.
Other names: c.1864-497C>G (NM_001407308.1, NM_001407306.1, NM_001407309.1 and 4 more transcripts); c.283-497C>G (NM_001407314.1); c.961-497C>G (NM_001407313.1, NM_001407312.1); c.2689-497C>G (NM_001407296.1); c.2677-497C>G (NM_001407297.1); c.2587-497C>G (NM_001407302.1, NM_001407298.1); c.2749-497C>G (NM_001407300.1, NM_001407299.1, NM_001407301.1); c.1702-497C>G (NM_001407307.1).
Identifiers: ClinVar variation 4281279 (VCV004281279.7).
Genomic context (GRCh38, chr16:23,624,591, plus strand): 5'-GAGTCGGAGTTTCACTCTTGTTGCCCAGCCTTGAGTGCAATGGCACAATCTCAGCTCATT[G>C]CAACTTCCACCTCCTGGGTTCAAGCGATTCTCCTGCCTCAGCCTCCTGAGTAGCTGGGAT-3'